The following is an entry in ClinVar:

ClinVar aggregate classification (germline): Uncertain significance (1 of 4 stars; one submission).

Submission:

Ambry Genetics
Classification: Uncertain significance. Last evaluated: 2024-12-14. Review status: criteria provided, single submitter. Criteria: Ambry Variant Classification Scheme 2023. Collection method: clinical testing. Allele origin: germline.
Comment: The p.S376I variant (also known as c.1127G>T), located in coding exon 2 of the CDK12 gene, results from a G to T substitution at nucleotide position 1127. The serine at codon 376 is replaced by isoleucine, an amino acid with dissimilar properties. This amino acid position is conserved. In addition, this alteration is predicted to be tolerated by in silico analysis. Based on the available evidence, the clinical significance of this variant remains unclear.

NM_016507.4(CDK12):c.1127G>T (p.Ser376Ile)

Gene: CDK12 (cyclin dependent kinase 12; plus strand). Cytogenetic location: 17q12.
Variant type: single nucleotide variant.
Coding change: c.1127G>T on transcript NM_016507.4 (MANE Select); coding-DNA position 1127, G replaced by T.
Protein change: p.Ser376Ile; replaces serine 376 with isoleucine.
Molecular consequence: missense variant.
Genome position (GRCh38, 1-based): chr17:39,470,959, G>T. VCF-style: chr17-39470959-G-T. GRCh37 (hg19) VCF-style: chr17-37627212-G-T.
Other names: c.1127G>T, p.Ser376Ile (NM_015083.4); short protein forms S376I.
Identifiers: ClinVar variation 3830344 (VCV003830344.1).
Genomic context (GRCh38, chr17:39,470,959, plus strand): 5'-GAAGTAGAAGTCCTGCATATTCAAGACATTCATCTTCTCATAGTAAAAAGAAGAGATCCA[G>T]TTCACGCAGTCGTCATTCCAGTATCTCACCTGTCAGGCTTCCACTTAATTCCAGTCTGGG-3'
Protein context (NP_057591.2, residues 366-386): SSSHSKKKRS[Ser376Ile]SRSRHSSISP